The following is an entry in ClinVar:

NM_172107.4(KCNQ2):c.1131A>C (p.Gln377His)

Gene: KCNQ2 (potassium voltage-gated channel subfamily Q member 2; minus strand). Cytogenetic location: 20q13.33.
Variant type: single nucleotide variant.
Coding change: c.1131A>C on transcript NM_172107.4 (MANE Select); coding-DNA position 1131, A replaced by C.
Protein change: p.Gln377His; replaces glutamine 377 with histidine.
Molecular consequence: missense variant. On other transcripts: intron variant (1).
Genome position (GRCh38, 1-based): chr20:63,431,357, T>G on the plus strand (A>C on the coding strand, the complement: KCNQ2 is on the minus strand). VCF-style: chr20-63431357-T-G. GRCh37 (hg19) VCF-style: chr20-62062710-T-G.
Other names: c.1118+2452A>C (NM_004518.6); c.1131A>C, p.Gln377His (NM_001382235.1, NM_172106.3, NM_172108.5); short protein forms Q377H.
Identifiers: ClinVar variation 1713347 (VCV001713347.5), dbSNP rs2516331283, ClinGen allele CA409650676.

ClinVar aggregate classification (germline): Uncertain significance (1 of 4 stars; one submission).

Conditions:
Early-infantile DEE. Also called: Early infantile epileptic encephalopathy with suppression bursts; Early infantile epileptic encephalopathy; Ohtahara syndrome. Identifiers: Orphanet 1934, MedGen C0393706, MONDO:0800491.

Submission:

Labcorp Genetics (formerly Invitae), Labcorp
Classification: Uncertain significance for Early-infantile DEE. Last evaluated: 2022-11-01. Review status: criteria provided, single submitter. Criteria: Invitae Variant Classification Sherloc (09022015). Collection method: clinical testing. Allele origin: germline.
Comment: This sequence change replaces glutamine, which is neutral and polar, with histidine, which is basic and polar, at codon 377 of the KCNQ2 protein (p.Gln377His). This variant is not present in population databases (gnomAD no frequency). This variant has not been reported in the literature in individuals affected with KCNQ2-related conditions. Algorithms developed to predict the effect of missense changes on protein structure and function (SIFT, PolyPhen-2, Align-GVGD) all suggest that this variant is likely to be tolerated. In summary, the available evidence is currently insufficient to determine the role of this variant in disease. Therefore, it has been classified as a Variant of Uncertain Significance.